The following is an entry in ClinVar:

ClinVar aggregate classification (germline): Uncertain significance (1 of 4 stars; one submission).

Allele frequency attached by ClinVar (database versions not stated): gnomAD exomes 0.00001 and 0.00003; TOPMed 0.00001; gnomAD 0.00002.
gnomAD v4.1: 10 of 1,613,680 alleles (0.00062%); highest among the groups gnomAD compares: Admixed American, 0.017%; no homozygotes.

Submission:

Labcorp Genetics (formerly Invitae), Labcorp
Classification: Uncertain significance. Last evaluated: 2022-07-06. Review status: criteria provided, single submitter. Criteria: Invitae Variant Classification Sherloc (09022015). Collection method: clinical testing. Allele origin: germline.
Comment: This sequence change replaces glutamic acid, which is acidic and polar, with lysine, which is basic and polar, at codon 168 of the LIG1 protein (p.Glu168Lys). This variant is present in population databases (no rsID available, gnomAD 0.02%). This variant has not been reported in the literature in individuals affected with LIG1-related conditions. ClinVar contains an entry for this variant (Variation ID: 1408721). Algorithms developed to predict the effect of missense changes on protein structure and function are either unavailable or do not agree on the potential impact of this missense change (SIFT: "Deleterious"; PolyPhen-2: "Benign"; Align-GVGD: "Class C0"). In summary, the available evidence is currently insufficient to determine the role of this variant in disease. Therefore, it has been classified as a Variant of Uncertain Significance.

NM_000234.3(LIG1):c.502G>A (p.Glu168Lys)

Gene: LIG1 (DNA ligase 1; minus strand). Cytogenetic location: 19q13.33.
Variant type: single nucleotide variant.
Coding change: c.502G>A on transcript NM_000234.3 (MANE Select); coding-DNA position 502, G replaced by A.
Protein change: p.Glu168Lys; replaces glutamic acid 168 with lysine.
Molecular consequence: missense variant. On other transcripts: non-coding transcript variant (6), intron variant (1).
Genome position (GRCh38, 1-based): chr19:48,151,304, C>T on the plus strand (G>A on the coding strand, the complement: LIG1 is on the minus strand). VCF-style: chr19-48151304-C-T. GRCh37 (hg19) VCF-style: chr19-48654561-C-T.
Other names: c.409G>A, p.Glu137Lys (NM_001289063.2); c.499G>A, p.Glu167Lys (NM_001320970.2); c.412G>A, p.Glu138Lys (NM_001320971.2); c.371-1094G>A (NM_001289064.2); short protein forms E138K, E167K, E168K, E137K.
Identifiers: ClinVar variation 1408721 (VCV001408721.3), dbSNP rs1375382412, ClinGen allele CA406656195.